The following is an entry in ClinVar:

NM_016653.3(MAP3K20):c.1523A>C (p.Gln508Pro)

Genes: MAP3K20 (mitogen-activated protein kinase kinase kinase 20; plus strand), MAP3K20-AS1 (MAP3K20 antisense RNA 1; minus strand). Cytogenetic location: 2q31.1.
Variant type: single nucleotide variant.
Coding change: c.1523A>C on transcript NM_016653.3 (MANE Select); coding-DNA position 1523, A replaced by C.
Protein change: p.Gln508Pro; replaces glutamine 508 with proline.
Molecular consequence: missense variant.
Genome position (GRCh38, 1-based): chr2:173,261,109, A>C. VCF-style: chr2-173261109-A-C. GRCh37 (hg19) VCF-style: chr2-174125837-A-C.
Other names: short protein forms Q508P.
Identifiers: ClinVar variation 1917550 (VCV001917550.5), dbSNP rs947474374, ClinGen allele CA60780734.

ClinVar aggregate classification (germline): Uncertain significance (1 of 4 stars; one submission).

Allele frequency attached by ClinVar (database versions not stated): gnomAD exomes below 0.00001; gnomAD 0.00001; TOPMed 0.00001.
gnomAD v4.1: 4 of 1,613,584 alleles (0.00025%); highest among the groups gnomAD compares: Non-Finnish European, 0.00034%; no homozygotes.

Submission:

Labcorp Genetics (formerly Invitae), Labcorp
Classification: Uncertain significance. Last evaluated: 2022-04-09. Review status: criteria provided, single submitter. Criteria: Invitae Variant Classification Sherloc (09022015). Collection method: clinical testing. Allele origin: germline.
Comment: In summary, the available evidence is currently insufficient to determine the role of this variant in disease. Therefore, it has been classified as a Variant of Uncertain Significance. Experimental studies and prediction algorithms are not available or were not evaluated, and the functional significance of this variant is currently unknown. This variant has not been reported in the literature in individuals affected with MAP3K20-related conditions. This variant is present in population databases (no rsID available, gnomAD 0.0009%). This sequence change replaces glutamine, which is neutral and polar, with proline, which is neutral and non-polar, at codon 508 of the MAP3K20 protein (p.Gln508Pro).